The following is an entry in ClinVar:

ClinVar aggregate classification (germline): Uncertain significance. Review status: criteria provided, multiple submitters, no conflicts (2 of 4 stars). 3 submissions from 3 submitters: Uncertain significance (3). Last evaluated 2025-05-13.

Conditions:
Dilated cardiomyopathy 1AA (CMD1AA). Also called: CARDIOMYOPATHY, DILATED, 1AA, WITH OR WITHOUT LEFT VENTRICULAR NONCOMPACTION; CARDIOMYOPATHY, FAMILIAL HYPERTROPHIC, 23, WITH OR WITHOUT LEFT VENTRICULAR NONCOMPACTION; Cardiomyopathy, dilated, 1AA, with or without LVNC. Identifiers: Orphanet 154, MedGen C2677338, MONDO:0012808, OMIM 612158.
Primary familial hypertrophic cardiomyopathy (HCM). Identifiers: Orphanet 99739, MedGen C0949658, MeSH D024741, MONDO:0024573. Inheritance: Various modes of inheritance.
Cardiovascular phenotype. Identifiers: MedGen CN230736.

Allele frequency attached by ClinVar (database versions not stated): gnomAD exomes below 0.00001 and 0.00001; ExAC 0.00001; gnomAD 0.00002 and 0.00003; TOPMed 0.00005.
gnomAD v4.1: 10 of 1,614,056 alleles (0.00062%); highest among the groups gnomAD compares: African/African-American, 0.008%; no homozygotes.

Submissions (3):

Labcorp Genetics (formerly Invitae), Labcorp
Classification: Uncertain significance for Primary familial hypertrophic cardiomyopathy; Dilated cardiomyopathy 1AA. Last evaluated: 2025-05-13. Review status: criteria provided, single submitter. Criteria: Invitae Variant Classification Sherloc (09022015). Collection method: clinical testing. Allele origin: germline.
Comment: This sequence change replaces lysine, which is basic and polar, with glutamic acid, which is acidic and polar, at codon 181 of the ACTN2 protein (p.Lys181Glu). This variant is present in population databases (rs779350391, gnomAD no frequency). This missense change has been observed in individual(s) with clinical features of ACTN2-related conditions (internal data). ClinVar contains an entry for this variant (Variation ID: 532046). Invitae Evidence Modeling of protein sequence and biophysical properties (such as structural, functional, and spatial information, amino acid conservation, physicochemical variation, residue mobility, and thermodynamic stability) indicates that this missense variant is expected to disrupt ACTN2 protein function with a positive predictive value of 80%. In summary, the available evidence is currently insufficient to determine the role of this variant in disease. Therefore, it has been classified as a Variant of Uncertain Significance.

Mayo Clinic Laboratories, Mayo Clinic
Classification: Uncertain significance. Last evaluated: 2025-01-15. Review status: criteria provided, single submitter. Criteria: ACMG Guidelines, 2015. Collection method: clinical testing. Allele origin: germline. Observed: 1 variant allele.

Ambry Genetics
Classification: Uncertain significance for Cardiovascular phenotype. Last evaluated: 2022-09-26. Review status: criteria provided, single submitter. Criteria: Ambry Variant Classification Scheme 2023. Collection method: clinical testing. Allele origin: germline.
Comment: The p.K181E variant (also known as c.541A>G), located in coding exon 6 of the ACTN2 gene, results from an A to G substitution at nucleotide position 541. The lysine at codon 181 is replaced by glutamic acid, an amino acid with similar properties. This amino acid position is conserved. In addition, this alteration is predicted to be deleterious by in silico analysis. Since supporting evidence is limited at this time, the clinical significance of this alteration remains unclear.

NM_001103.4(ACTN2):c.541A>G (p.Lys181Glu)

Gene: ACTN2 (actinin alpha 2; plus strand). Cytogenetic location: 1q43.
Variant type: single nucleotide variant.
Coding change: c.541A>G on transcript NM_001103.4 (MANE Select); coding-DNA position 541, A replaced by G.
Protein change: p.Lys181Glu; replaces lysine 181 with glutamic acid.
Molecular consequence: missense variant. On other transcripts: 5 prime UTR variant (1).
Genome position (GRCh38, 1-based): chr1:236,727,682, A>G. VCF-style: chr1-236727682-A-G. GRCh37 (hg19) VCF-style: chr1-236890982-A-G.
Other names: p.Lys181Glu; c.541A>G, p.Lys181Glu (NM_001278343.2); c.-281A>G (NM_001278344.2); short protein forms K181E.
Identifiers: ClinVar variation 532046 (VCV000532046.14), dbSNP rs779350391, ClinGen allele CA1472833.
Genomic context (GRCh38, chr1:236,727,682, plus strand): 5'-GGCTGCTTCTTTCTCTCCACTAACACGTGTTCCTGTTCTTCTCGACGGCTGTGAAGCTGG[A>G]AAGATGGCCTTGGACTCTGTGCCCTCATCCACCGACACCGGCCTGACCTCATTGACTACT-3'
Protein context (NP_001094.1, residues 171-191): VNIQNFHTSW[Lys181Glu]DGLGLCALIH